The following is an entry in ClinVar:

ClinVar aggregate classification (germline): Uncertain significance (1 of 4 stars; one submission).

Conditions:
POLD1-related polyposis and colorectal cancer syndrome (CRCS10). Also called: Colorectal cancer, susceptibility to, 10; Colorectal cancer 10; COLORECTAL CANCER, SUSCEPTIBILITY TO, ON CHROMOSOME 19q. Identifiers: Orphanet 220460, MedGen C2675481, MONDO:0012953, OMIM 612591.

Submission:

Labcorp Genetics (formerly Invitae), Labcorp
Classification: Uncertain significance for POLD1-related polyposis and colorectal cancer syndrome. Last evaluated: 2023-04-28. Review status: criteria provided, single submitter. Criteria: Invitae Variant Classification Sherloc (09022015). Collection method: clinical testing. Allele origin: germline.
Comment: In summary, the available evidence is currently insufficient to determine the role of this variant in disease. Therefore, it has been classified as a Variant of Uncertain Significance. ClinVar contains an entry for this variant (Variation ID: 1361494). This variant has not been reported in the literature in individuals affected with POLD1-related conditions. This variant is not present in population databases (gnomAD no frequency). This sequence change creates a premature translational stop signal (p.Ser917Alafs*9) in the POLD1 gene. Missense variants that disrupt the 3'-5' exonuclease (proof-reading) activity of the POLD1 protein are associated with PPAP (polymerase proofreading–associated polyposis) (PMID: 23263490, 23447401). However, loss-of-function variants that result in an absent or severely disrupted POLD1 protein, and missense variants outside the exonuclease domain, are unlikely to be associated with PPAP.

Literature cited by the submitters: PubMed 23263490; PubMed 23447401.

NM_002691.4(POLD1):c.2748del (p.Ser917fs)

Gene: POLD1 (DNA polymerase delta 1, catalytic subunit; plus strand). Cytogenetic location: 19q13.33.
Variant type: Deletion.
Coding change: c.2748del on transcript NM_002691.4 (MANE Select); coding-DNA position 2748, one base deleted (C; older notation c.2748delC).
Protein change: p.Ser917fs; shifts the reading frame from serine 917.
Molecular consequence: frameshift variant.
Genome position (GRCh38, 1-based): chr19:50,415,754, C deleted; the last of 3 consecutive C bases (chr19:50,415,752-50,415,754); deleting any one gives the same sequence. VCF-style (leftmost placement, unchanged base first): chr19-50415751-GC-G. GRCh37 (hg19) VCF-style: chr19-50919008-GC-G.
Other names: c.2748del, p.Ser917fs (NM_001256849.1); c.2826del, p.Ser943fs (NM_001308632.1); short protein forms S917fs, S943fs.
Identifiers: ClinVar variation 1361494 (VCV001361494.8), dbSNP rs2122480844, ClinGen allele CA2573156748.